The following is an entry in ClinVar:

ClinVar aggregate classification (germline): Uncertain significance. Review status: criteria provided, multiple submitters, no conflicts (2 of 4 stars). 2 submissions from 2 submitters: Uncertain significance (2). Last evaluated 2025-01-03.

Conditions:
Early-infantile DEE. Also called: Ohtahara syndrome; Early infantile epileptic encephalopathy with suppression bursts; Early infantile epileptic encephalopathy. Identifiers: Orphanet 1934, MedGen C0393706, MONDO:0800491.

Allele frequency attached by ClinVar (database versions not stated): gnomAD exomes below 0.00001; gnomAD 0.00001.
gnomAD v4.1: 2 of 1,604,294 alleles (0.00012%); highest among the groups gnomAD compares: East Asian, 0.0022%; no homozygotes.

Submissions (2):

Women's Health and Genetics/Laboratory Corporation of America, LabCorp
Classification: Uncertain significance. Last evaluated: 2025-01-03. Review status: criteria provided, single submitter. Criteria: LabCorp Variant Classification Summary - May 2015. Collection method: clinical testing. Allele origin: germline.
Comment: Variant summary: SCN1A c.4001G>A (p.Arg1334Lys) results in a conservative amino acid change located in the Ion transport protein domain (IPR005821) of the encoded protein sequence. Three of five in-silico tools predict a damaging effect of the variant on protein function. Several computational tools predict a significant impact on normal splicing: Two predict the variant strengthens a 5' donor site. One predict the variant creates a 5' donor site. However, these predictions have yet to be confirmed by functional studies. The variant was absent in 248780 control chromosomes. The available data on variant occurrences in the general population are insufficient to allow any conclusion about variant significance. To our knowledge, no occurrence of c.4001G>A in individuals affected with SCN1A-Related Seizure Disorder and no experimental evidence demonstrating its impact on protein function have been reported. ClinVar contains an entry for this variant (Variation ID: 2698247). Based on the evidence outlined above, the variant was classified as uncertain significance.

Labcorp Genetics (formerly Invitae), Labcorp
Classification: Uncertain significance for Early-infantile DEE. Last evaluated: 2024-05-28. Review status: criteria provided, single submitter. Criteria: Invitae Variant Classification Sherloc (09022015). Collection method: clinical testing. Allele origin: germline.
Comment: This sequence change replaces arginine, which is basic and polar, with lysine, which is basic and polar, at codon 1334 of the SCN1A protein (p.Arg1334Lys). This variant is present in population databases (no rsID available, gnomAD 0.06%). This variant has not been reported in the literature in individuals affected with SCN1A-related conditions. An algorithm developed to predict the effect of missense changes on protein structure and function (PolyPhen-2) suggests that this variant is likely to be tolerated. In summary, the available evidence is currently insufficient to determine the role of this variant in disease. Therefore, it has been classified as a Variant of Uncertain Significance.

NM_001165963.4(SCN1A):c.4001G>A (p.Arg1334Lys)

Genes: SCN1A (sodium voltage-gated channel alpha subunit 1; minus strand), LOC102724058 (uncharacterized LOC102724058; plus strand). Cytogenetic location: 2q24.3.
Variant type: single nucleotide variant.
Coding change: c.4001G>A on transcript NM_001165963.4 (MANE Select); coding-DNA position 4001, G replaced by A.
Protein change: p.Arg1334Lys; replaces arginine 1334 with lysine.
Molecular consequence: missense variant. On other transcripts: non-coding transcript variant (1).
Genome position (GRCh38, 1-based): chr2:166,009,720, C>T on the plus strand (G>A on the coding strand, the complement: SCN1A is on the minus strand). VCF-style: chr2-166009720-C-T. GRCh37 (hg19) VCF-style: chr2-166866230-C-T.
Other names: c.1559G>A, p.Arg520Lys (NM_001353961.2); c.3968G>A, p.Arg1323Lys (NM_006920.6, NM_001353949.2, NM_001353950.2 and 2 more transcripts); c.3917G>A, p.Arg1306Lys (NM_001165964.3, NM_001353957.2, NM_001353958.2); c.4001G>A, p.Arg1334Lys (NM_001202435.3, NM_001353948.2); c.3965G>A, p.Arg1322Lys (NM_001353954.2, NM_001353955.2); c.3914G>A, p.Arg1305Lys (NM_001353960.2); short protein forms R1323K, R1306K, R520K, R1334K, R1305K, R1322K.
Identifiers: ClinVar variation 2698247 (VCV002698247.5), dbSNP rs1221602208, ClinGen allele CA349052832.